The following is an entry in ClinVar:

ClinVar aggregate classification (germline): Benign/Likely benign. Review status: criteria provided, multiple submitters, no conflicts (2 of 4 stars). 3 submissions from 3 submitters: Benign (1); Likely benign (1). 1 of the submissions does not count toward it. Last evaluated 2026-06-01.

Conditions:
YRDC-related disorder. Also called: YRDC-related condition.

Allele frequency attached by ClinVar (database versions not stated): ESP Exome Variant Server 0.00031; 1000 Genomes Project 30x 0.00125; gnomAD 0.00032; TOPMed 0.00059; ExAC 0.00088; 1000 Genomes Project 0.00100.
gnomAD v4.1: 460 of 1,614,148 alleles (0.028%); highest among the groups gnomAD compares: Admixed American, 0.61%; 2 homozygotes.

Submissions (3):

CeGaT Center for Human Genetics Tuebingen
Classification: Likely benign. Last evaluated: 2026-06-01. Review status: criteria provided, single submitter. Criteria: CeGaT Center For Human Genetics Tuebingen Variant Classification Criteria Version 2. Collection method: clinical testing. Allele origin: germline. Affected: yes. Observed: 1 variant allele.
Comment: YRDC: BP4, BP7

Labcorp Genetics (formerly Invitae), Labcorp
Classification: Benign. Last evaluated: 2025-11-11. Review status: criteria provided, single submitter. Criteria: Invitae Variant Classification Sherloc (09022015). Collection method: clinical testing. Allele origin: germline.

PreventionGenetics, part of Exact Sciences
Classification: Benign for YRDC-related condition. Last evaluated: 2019-11-25. Review status: no assertion criteria provided. Collection method: clinical testing. Allele origin: germline. Not counted in ClinVar's aggregate classification.
Comment: This variant is classified as benign based on ACMG/AMP sequence variant interpretation guidelines (Richards et al. 2015 PMID: 25741868, with internal and published modifications).

NM_024640.4(YRDC):c.696C>T (p.Pro232=)

Gene: YRDC (yrdC N6-threonylcarbamoyltransferase domain containing; minus strand). Cytogenetic location: 1p34.3.
Variant type: single nucleotide variant.
Coding change: c.696C>T on transcript NM_024640.4 (MANE Select); coding-DNA position 696, C replaced by T.
Protein change: p.Pro232=; no amino-acid change (proline 232 retained).
Molecular consequence: synonymous variant.
Genome position (GRCh38, 1-based): chr1:37,804,373, G>A on the plus strand (C>T on the coding strand, the complement: YRDC is on the minus strand). VCF-style: chr1-37804373-G-A. GRCh37 (hg19) VCF-style: chr1-38270045-G-A.
Other names: c.696C>T (NM_024640.3).
Identifiers: ClinVar variation 2056039 (VCV002056039.8), dbSNP rs200941239, ClinGen allele CA774737.